The following is an entry in ClinVar:

ClinVar aggregate classification (germline): Uncertain significance (1 of 4 stars; one submission).

Conditions:
Myofibrillar myopathy 6. Identifiers: Orphanet 199340, MedGen C2751831, MONDO:0013061, OMIM 612954.
Dilated cardiomyopathy 1HH (CMD1HH). Identifiers: Orphanet 154, MedGen C3151293, MONDO:0013479, OMIM 613881.

Submission:

Labcorp Genetics (formerly Invitae), Labcorp
Classification: Uncertain significance for Dilated cardiomyopathy 1HH; Myofibrillar myopathy 6. Last evaluated: 2023-07-06. Review status: criteria provided, single submitter. Criteria: Invitae Variant Classification Sherloc (09022015). Collection method: clinical testing. Allele origin: germline.
Comment: This variant is not present in population databases (gnomAD no frequency). This variant has not been reported in the literature in individuals affected with BAG3-related conditions. Advanced modeling of protein sequence and biophysical properties (such as structural, functional, and spatial information, amino acid conservation, physicochemical variation, residue mobility, and thermodynamic stability) performed at Invitae indicates that this missense variant is not expected to disrupt BAG3 protein function. In summary, the available evidence is currently insufficient to determine the role of this variant in disease. Therefore, it has been classified as a Variant of Uncertain Significance. This sequence change replaces proline, which is neutral and non-polar, with threonine, which is neutral and polar, at codon 562 of the BAG3 protein (p.Pro562Thr).

NM_004281.4(BAG3):c.1684C>A (p.Pro562Thr)

Gene: BAG3 (BAG cochaperone 3; plus strand). Cytogenetic location: 10q26.11.
Variant type: single nucleotide variant.
Coding change: c.1684C>A on transcript NM_004281.4 (MANE Select); coding-DNA position 1684, C replaced by A.
Protein change: p.Pro562Thr; replaces proline 562 with threonine.
Molecular consequence: missense variant.
Genome position (GRCh38, 1-based): chr10:119,677,238, C>A. VCF-style: chr10-119677238-C-A. GRCh37 (hg19) VCF-style: chr10-121436750-C-A.
Other names: short protein forms P562T.
Identifiers: ClinVar variation 2949573 (VCV002949573.3), dbSNP rs2494024965, ClinGen allele CA378297849.